The following is an entry in ClinVar:

NM_004304.5(ALK):c.2546A>G (p.Tyr849Cys)

Gene: ALK (ALK receptor tyrosine kinase; minus strand). Cytogenetic location: 2p23.2.
Variant type: single nucleotide variant.
Coding change: c.2546A>G on transcript NM_004304.5 (MANE Select); coding-DNA position 2546, A replaced by G.
Protein change: p.Tyr849Cys; replaces tyrosine 849 with cysteine.
Molecular consequence: missense variant.
Genome position (GRCh38, 1-based): chr2:29,232,390, T>C on the plus strand (A>G on the coding strand, the complement: ALK is on the minus strand). VCF-style: chr2-29232390-T-C. GRCh37 (hg19) VCF-style: chr2-29455256-T-C.
Other names: short protein forms Y849C.
Identifiers: ClinVar variation 538264 (VCV000538264.9), dbSNP rs1043717591, ClinGen allele CA346471876.
Genomic context (GRCh38, chr2:29,232,390, plus strand): 5'-CCTAGAACCGAGGAGTTATTCTCCAGTCTCTCTGGGTGGAACGTGTCTGTCTTGGCCCCG[T>C]AGGCCCTGCCACCACCTCCGGCTGCAATGATCAGGGGCACCGGCACTCCATCCTTCATCT-3'
Protein context (NP_004295.2, residues 839-859): IIAAGGGGRA[Tyr849Cys]GAKTDTFHPE

ClinVar aggregate classification (germline): Uncertain significance. Review status: criteria provided, multiple submitters, no conflicts (2 of 4 stars). 2 submissions from 2 submitters: Uncertain significance (2). Last evaluated 2024-02-25.

Conditions:
Hereditary cancer-predisposing syndrome. Also called: Neoplastic Syndromes, Hereditary; Tumor predisposition; Hereditary Cancer Syndrome; Hereditary neoplastic syndrome. Identifiers: Orphanet 140162, MedGen C0027672, MeSH D009386, MONDO:0015356.
Neuroblastoma, susceptibility to, 3. Also called: ALK-Related Neuroblastic Tumor Susceptibility. Identifiers: Orphanet 635, MedGen C2751681, MONDO:0013083, OMIM 613014.

Submissions (2):

Ambry Genetics
Classification: Uncertain significance for Hereditary cancer-predisposing syndrome. Last evaluated: 2024-02-25. Review status: criteria provided, single submitter. Criteria: Ambry Variant Classification Scheme 2023. Collection method: clinical testing. Allele origin: germline.
Comment: The p.Y849C variant (also known as c.2546A>G), located in coding exon 15 of the ALK gene, results from an A to G substitution at nucleotide position 2546. The tyrosine at codon 849 is replaced by cysteine, an amino acid with highly dissimilar properties. This amino acid position is conserved. In addition, the in silico prediction for this alteration is inconclusive. Based on the available evidence, the clinical significance of this alteration remains unclear.

Labcorp Genetics (formerly Invitae), Labcorp
Classification: Uncertain significance for Neuroblastoma, susceptibility to, 3. Last evaluated: 2023-06-09. Review status: criteria provided, single submitter. Criteria: Invitae Variant Classification Sherloc (09022015). Collection method: clinical testing. Allele origin: germline.
Comment: In summary, the available evidence is currently insufficient to determine the role of this variant in disease. Therefore, it has been classified as a Variant of Uncertain Significance. An algorithm developed to predict the effect of missense changes on protein structure and function (PolyPhen-2) suggests that this variant is likely to be disruptive. ClinVar contains an entry for this variant (Variation ID: 538264). This variant has not been reported in the literature in individuals affected with ALK-related conditions. This variant is not present in population databases (gnomAD no frequency). This sequence change replaces tyrosine, which is neutral and polar, with cysteine, which is neutral and slightly polar, at codon 849 of the ALK protein (p.Tyr849Cys).